The following is an entry in ClinVar:

ClinVar aggregate classification (germline): Pathogenic (1 of 4 stars; one submission).

Conditions:
Koolen-de Vries syndrome (KDVS). Identifiers: Orphanet 96169, MedGen C1864871, MONDO:0012496, OMIM 610443.

Submission:

Institute of Immunology and Genetics Kaiserslautern
Classification: Pathogenic for Koolen-de Vries syndrome. Last evaluated: 2026-03-09. Review status: criteria provided, single submitter. Criteria: ACMG Guidelines, 2015. Collection method: clinical testing. Allele origin: germline. Affected: yes.
Comment: ACMG Criteria: PVS1, PM2; Variant was found in heterozygous state.

NM_015443.4(KANSL1):c.3291_3294dup (p.Ala1099fs)

Gene: KANSL1 (KAT8 regulatory NSL complex subunit 1). Cytogenetic location: 17q21.31.
Variant type: Microsatellite.
Coding change: c.3291_3294dup on transcript NM_015443.4 (MANE Select); coding-DNA positions 3291 to 3294, 4 bases duplicated.
Protein change: p.Ala1099fs; shifts the reading frame from alanine 1099.
Molecular consequence: frameshift variant.
Genome position: GRCh38 VCF-style: chr17-46031499-C-CTGTG. GRCh37 (hg19) VCF-style: chr17-44108865-C-CTGTG.
Other names: c.3288_3291dup, p.Ala1098fs (NM_001193465.2, NM_001405856.1, NM_001405857.1 and 1 more transcripts); c.3291_3294dup, p.Ala1099fs (NM_001193466.2, NM_001379198.1, NM_001405854.1 and 1 more transcripts); c.3189_3192dup, p.Ala1065fs (NM_001405859.1, NM_001405860.1); c.3186_3189dup, p.Ala1064fs (NM_001405861.1); c.3159_3162dup, p.Ala1055fs (NM_001405872.1, NM_001405873.1, NM_001405874.1); c.3102_3105dup, p.Ala1036fs (NM_001405875.1, NM_001405876.1, NM_001405877.1 and 1 more transcripts); c.3099_3102dup, p.Ala1035fs (NM_001405879.1, NM_001405880.1); c.3054_3057dup, p.Ala1020fs (NM_001405881.1); and 4 more; short protein forms A1020fs, A1035fs, A1036fs, A1055fs, A1064fs, A1065fs, A1098fs, A1099fs.
Identifiers: ClinVar variation 4851424 (VCV004851424.1).
Genomic context (GRCh38, chr17:46,031,499, plus strand): 5'-AATAGTTAGTGAGTCTGTTTAGATGGCTGTCTCCCGCTCATCTGTGAGTCGGGCGCTGAG[C>CTGTG]TGTGGCTGCTGCCACCAGATGCCGACTCTTGAGGGGGACAATGGGAGGCGAGGTGGGCGC-3'